The following is an entry in ClinVar:

ClinVar aggregate classification (germline): Uncertain significance (1 of 4 stars; one submission).

Conditions:
Hereditary sensory and autonomic neuropathy type 6. Also called: HSAN VI; Neuropathy, hereditary sensory and autonomic, type VI. Identifiers: Orphanet 314381, MedGen C3539003, MONDO:0013839, OMIM 614653.
Epidermolysis bullosa simplex 3, localized or generalized intermediate, with BP230 deficiency (EBS3). Also called: Epidermolysis bullosa simplex, autosomal recessive 2; Epidermolysis bullosa simplex due to BP230 deficiency. Identifiers: Orphanet 412181, MedGen C3809470, MONDO:0014180, OMIM 615425.

Allele frequency attached by ClinVar (database versions not stated): gnomAD exomes below 0.00001; TOPMed below 0.00001.
gnomAD v4.1: 1 of 1,613,316 alleles (0.000062%); highest among the groups gnomAD compares: Admixed American, 0.0017%; no homozygotes.

Submission:

Labcorp Genetics (formerly Invitae), Labcorp
Classification: Uncertain significance for Epidermolysis bullosa simplex 3, localized or generalized intermediate, with BP230 deficiency; Hereditary sensory and autonomic neuropathy type 6. Last evaluated: 2021-10-15. Review status: criteria provided, single submitter. Criteria: Invitae Variant Classification Sherloc (09022015). Collection method: clinical testing. Allele origin: germline.
Comment: In summary, the available evidence is currently insufficient to determine the role of this variant in disease. Therefore, it has been classified as a Variant of Uncertain Significance. Experimental studies and prediction algorithms are not available or were not evaluated, and the functional significance of this variant is currently unknown. This variant has not been reported in the literature in individuals affected with DST-related conditions. This variant is not present in population databases (ExAC no frequency). This sequence change replaces histidine with arginine at codon 2740 of the DST protein (p.His2740Arg). The DST gene has multiple clinically relevant transcripts. This variant occurs in alternate transcript NM_015548.4, and corresponds to NM_001723.5:c.*62813A>G in the primary transcript.

NM_001374736.1(DST):c.16088A>G (p.His5363Arg)

Gene: DST (dystonin; minus strand). Cytogenetic location: 6p12.1.
Variant type: single nucleotide variant.
Coding change: c.16088A>G on transcript NM_001374736.1 (MANE Select); coding-DNA position 16088, A replaced by G.
Protein change: p.His5363Arg; replaces histidine 5363 with arginine.
Molecular consequence: missense variant.
Genome position (GRCh38, 1-based): chr6:56,552,704, T>C on the plus strand (A>G on the coding strand, the complement: DST is on the minus strand). VCF-style: chr6-56552704-T-C. GRCh37 (hg19) VCF-style: chr6-56417502-T-C.
Other names: c.9731A>G, p.His3244Arg (NM_001144769.5); c.9317A>G, p.His3106Arg (NM_001144770.2); c.16088A>G, p.His5363Arg (NM_001374722.1); c.15455A>G, p.His5152Arg (NM_001374729.1); c.9197A>G, p.His3066Arg (NM_001374730.1, NM_001386100.1, NM_183380.4); c.16115A>G, p.His5372Arg (NM_001374734.1); c.8219A>G, p.His2740Arg (NM_015548.5); short protein forms H3244R, H5363R, H3106R, H2740R, H5152R, H5372R, H3066R.
Identifiers: ClinVar variation 1446494 (VCV001446494.8), dbSNP rs925040715, ClinGen allele CA139206145.